The following is an entry in ClinVar:

NM_152703.5(SAMD9L):c.3738T>G (p.Cys1246Trp)

Gene: SAMD9L (sterile alpha motif domain containing 9 like; minus strand). Cytogenetic location: 7q21.2.
Variant type: single nucleotide variant.
Coding change: c.3738T>G on transcript NM_152703.5 (MANE Select); coding-DNA position 3738, T replaced by G.
Protein change: p.Cys1246Trp; replaces cysteine 1246 with tryptophan.
Molecular consequence: missense variant.
Genome position (GRCh38, 1-based): chr7:93,132,234, A>C on the plus strand (T>G on the coding strand, the complement: SAMD9L is on the minus strand). VCF-style: chr7-93132234-A-C. GRCh37 (hg19) VCF-style: chr7-92761547-A-C.
Other names: c.3738T>G, p.Cys1246Trp (NM_001303496.3, NM_001303497.3, NM_001303498.3 and 5 more transcripts); c.3738T>G (NM_152703.2); short protein forms C1246W.
Identifiers: ClinVar variation 2829778 (VCV002829778.4), dbSNP rs1217947422, ClinGen allele CA368180296.

ClinVar aggregate classification (germline): Uncertain significance. Review status: criteria provided, multiple submitters, no conflicts (2 of 4 stars). 2 submissions from 2 submitters: Uncertain significance (2). Last evaluated 2025-01-03.

Conditions:
Inborn genetic diseases. Identifiers: MedGen C0950123, MeSH D030342.

Allele frequency attached by ClinVar (database versions not stated): gnomAD 0.00001; TOPMed 0.00001; gnomAD exomes 0.00002.
gnomAD v4.1: 32 of 1,613,730 alleles (0.002%); highest among the groups gnomAD compares: Non-Finnish European, 0.0026%; no homozygotes.

Submissions (2):

Ambry Genetics
Classification: Uncertain significance for Inborn genetic diseases. Last evaluated: 2025-01-03. Review status: criteria provided, single submitter. Criteria: Ambry Variant Classification Scheme 2023. Collection method: clinical testing. Allele origin: germline.
Comment: The p.C1246W variant (also known as c.3738T>G), located in coding exon 1 of the SAMD9L gene, results from a T to G substitution at nucleotide position 3738. The cysteine at codon 1246 is replaced by tryptophan, an amino acid with highly dissimilar properties. This amino acid position is conserved. In addition, this alteration is predicted to be tolerated by in silico analysis. Based on the available evidence, the clinical significance of this variant remains unclear.

Labcorp Genetics (formerly Invitae), Labcorp
Classification: Uncertain significance. Last evaluated: 2023-02-17. Review status: criteria provided, single submitter. Criteria: Invitae Variant Classification Sherloc (09022015). Collection method: clinical testing. Allele origin: germline.
Comment: This sequence change replaces cysteine, which is neutral and slightly polar, with tryptophan, which is neutral and slightly polar, at codon 1246 of the SAMD9L protein (p.Cys1246Trp). This variant is present in population databases (no rsID available, gnomAD 0.002%). This variant has not been reported in the literature in individuals affected with SAMD9L-related conditions. An algorithm developed to predict the effect of missense changes on protein structure and function (PolyPhen-2) suggests that this variant is likely to be tolerated. In summary, the available evidence is currently insufficient to determine the role of this variant in disease. Therefore, it has been classified as a Variant of Uncertain Significance.